The following is an entry in ClinVar:

NM_001854.4(COL11A1):c.3787C>T (p.Pro1263Ser)

Gene: COL11A1 (collagen type XI alpha 1 chain; minus strand). Cytogenetic location: 1p21.1.
Variant type: single nucleotide variant.
Coding change: c.3787C>T on transcript NM_001854.4 (MANE Select); coding-DNA position 3787, C replaced by T.
Protein change: p.Pro1263Ser; replaces proline 1263 with serine.
Molecular consequence: missense variant. On other transcripts: non-coding transcript variant (1).
Genome position (GRCh38, 1-based): chr1:102,915,660, G>A on the plus strand (C>T on the coding strand, the complement: COL11A1 is on the minus strand). VCF-style: chr1-102915660-G-A. GRCh37 (hg19) VCF-style: chr1-103381216-G-A.
Other names: c.3670C>T, p.Pro1224Ser (NM_001190709.2); c.3823C>T, p.Pro1275Ser (NM_080629.3); c.3439C>T, p.Pro1147Ser (NM_080630.4); short protein forms P1147S, P1224S, P1263S, P1275S.
Identifiers: ClinVar variation 3342348 (VCV003342348.4).

ClinVar aggregate classification (germline): Uncertain significance. Review status: criteria provided, multiple submitters, no conflicts (2 of 4 stars). 3 submissions from 3 submitters: Uncertain significance (3). Last evaluated 2025-08-14.

Conditions:
Inborn genetic diseases. Identifiers: MedGen C0950123, MeSH D030342.

gnomAD v4.1: 3 of 1,612,920 alleles (0.00019%); highest among the groups gnomAD compares: Non-Finnish European, 0.00025%; no homozygotes.

Submissions (3):

GeneDx
Classification: Uncertain significance. Last evaluated: 2025-08-14. Review status: criteria provided, single submitter. Criteria: GeneDx Variant Classification Process June 2021. Collection method: clinical testing. Allele origin: germline.
Comment: Has not been previously published as pathogenic or benign to our knowledge; Not observed at significant frequency in large population cohorts (gnomAD); In silico analysis supports that this missense variant has a deleterious effect on protein structure/function

Ambry Genetics
Classification: Uncertain significance for Inborn genetic diseases. Last evaluated: 2025-02-01. Review status: criteria provided, single submitter. Criteria: Ambry Variant Classification Scheme 2023. Collection method: clinical testing. Allele origin: germline.

Blueprint Genetics
Classification: Uncertain significance. Last evaluated: 2023-05-08. Review status: criteria provided, single submitter. Criteria: ACMG Guidelines, 2015. Collection method: clinical testing. Allele origin: germline.